The following is an entry in ClinVar:

NM_007194.4(CHEK2):c.1008+2T>A

Gene: CHEK2 (checkpoint kinase 2; minus strand). Cytogenetic location: 22q12.1.
Variant type: single nucleotide variant.
Coding change: c.1008+2T>A on transcript NM_007194.4 (MANE Select); the canonical splice donor site of the intron after coding-DNA position 1008, T replaced by A.
Molecular consequence: splice donor variant.
Genome position (GRCh38, 1-based): chr22:28,699,836, A>T on the plus strand (T>A on the coding strand, the complement: CHEK2 is on the minus strand). VCF-style: chr22-28699836-A-T. GRCh37 (hg19) VCF-style: chr22-29095824-A-T.
Other names: c.345+2T>A (NM_001437942.1, NM_001257387.3); c.807+2T>A (NM_001349956.3); c.1008+2T>A (NM_145862.3); c.1101+2T>A (NM_001438295.1, NM_001438293.1); c.1137+2T>A (NM_001438294.1, NM_001005735.3).
Identifiers: ClinVar variation 3642994 (VCV003642994.3).

ClinVar aggregate classification (germline): Likely pathogenic. Review status: criteria provided, multiple submitters, no conflicts (2 of 4 stars). 2 submissions from 2 submitters: Likely pathogenic (2). Last evaluated 2025-06-02.

Conditions:
Hereditary cancer-predisposing syndrome. Also called: Hereditary neoplastic syndrome; Tumor predisposition; Hereditary Cancer Syndrome; Neoplastic Syndromes, Hereditary. Identifiers: Orphanet 140162, MedGen C0027672, MeSH D009386, MONDO:0015356.
Familial cancer of breast. Also called: hereditary breast carcinoma; Hereditary breast cancer; BREAST CANCER, FAMILIAL. Identifiers: Orphanet 227535, MedGen C0346153, MONDO:0016419, OMIM 114480. Disease mechanism: loss of function.

Submissions (2):

Ambry Genetics
Classification: Likely pathogenic for Hereditary cancer-predisposing syndrome. Last evaluated: 2025-06-02. Review status: criteria provided, single submitter. Criteria: Ambry Variant Classification Scheme 2023. Collection method: clinical testing. Allele origin: germline.
Comment: The c.1008+2T>A intronic variant results from a T to A substitution two nucleotides after coding exon 8 in the CHEK2 gene. This nucleotide position is highly conserved in available vertebrate species. In silico splice site analysis predicts that this alteration will weaken the native splice donor site; however, direct evidence is insufficient at this time (Ambry internal data). This variant is considered to be rare based on population cohorts in the Genome Aggregation Database (gnomAD). Alterations that disrupt the canonical splice site are expected to cause aberrant splicing, resulting in an abnormal protein or a transcript that is subject to nonsense-mediated mRNA decay. As such, this alteration is classified as likely pathogenic

Labcorp Genetics (formerly Invitae), Labcorp
Classification: Likely pathogenic for Familial cancer of breast. Last evaluated: 2024-04-30. Review status: criteria provided, single submitter. Criteria: Invitae Variant Classification Sherloc (09022015). Collection method: clinical testing. Allele origin: germline.
Comment: This sequence change affects a donor splice site in intron 9 of the CHEK2 gene. It is expected to disrupt RNA splicing. Variants that disrupt the donor or acceptor splice site typically lead to a loss of protein function (PMID: 16199547), and loss-of-function variants in CHEK2 are known to be pathogenic (PMID: 21876083, 24713400). This variant is not present in population databases (gnomAD no frequency). Disruption of this splice site has been observed in individual(s) with breast cancer (PMID: 33606809). Algorithms developed to predict the effect of sequence changes on RNA splicing suggest that this variant may disrupt the consensus splice site. In summary, the currently available evidence indicates that the variant is pathogenic, but additional data are needed to prove that conclusively. Therefore, this variant has been classified as Likely Pathogenic.

Literature cited by the submitters: PubMed 16199547 (cited by Labcorp Genetics (formerly Invitae), Labcorp); PubMed 21876083 (cited by Labcorp Genetics (formerly Invitae), Labcorp); PubMed 24713400 (cited by Labcorp Genetics (formerly Invitae), Labcorp); PubMed 33606809 (cited by Labcorp Genetics (formerly Invitae), Labcorp).